The following is an entry in ClinVar:

ClinVar aggregate classification (germline): Uncertain significance. Review status: criteria provided, multiple submitters, no conflicts (2 of 4 stars). 3 submissions from 3 submitters: Uncertain significance (3). Last evaluated 2025-07-02.

Conditions:
Hereditary cancer-predisposing syndrome. Also called: Hereditary neoplastic syndrome; Neoplastic Syndromes, Hereditary; Tumor predisposition; Hereditary Cancer Syndrome. Identifiers: Orphanet 140162, MedGen C0027672, MeSH D009386, MONDO:0015356.
Fanconi anemia complementation group J. Also called: BRIP1-Related Fanconi Anemia. Identifiers: Orphanet 84, MedGen C1836860, MONDO:0012187, OMIM 609054.
Familial cancer of breast. Also called: BREAST CANCER, FAMILIAL; hereditary breast carcinoma; Hereditary breast cancer. Identifiers: Orphanet 227535, MedGen C0346153, MONDO:0016419, OMIM 114480. Disease mechanism: loss of function.

Allele frequency attached by ClinVar (database versions not stated): gnomAD exomes below 0.00001; ExAC 0.00001.
gnomAD v4.1: 1 of 1,614,026 alleles (0.000062%); highest among the groups gnomAD compares: Non-Finnish European, 0.000085%; no homozygotes.

Submissions (3):

Labcorp Genetics (formerly Invitae), Labcorp
Classification: Uncertain significance for Familial cancer of breast; Fanconi anemia complementation group J. Last evaluated: 2025-07-02. Review status: criteria provided, single submitter. Criteria: Invitae Variant Classification Sherloc (09022015). Collection method: clinical testing. Allele origin: germline.
Comment: This sequence change replaces leucine, which is neutral and non-polar, with proline, which is neutral and non-polar, at codon 909 of the BRIP1 protein (p.Leu909Pro). This variant is present in population databases (rs770966270, gnomAD 0.0009%). This variant has not been reported in the literature in individuals affected with BRIP1-related conditions. ClinVar contains an entry for this variant (Variation ID: 461127). Invitae Evidence Modeling of protein sequence and biophysical properties (such as structural, functional, and spatial information, amino acid conservation, physicochemical variation, residue mobility, and thermodynamic stability) has been performed for this missense variant. However, the output from this modeling did not meet the statistical confidence thresholds required to predict the impact of this variant on BRIP1 protein function. In summary, the available evidence is currently insufficient to determine the role of this variant in disease. Therefore, it has been classified as a Variant of Uncertain Significance.

Color Diagnostics, LLC DBA Color Health
Classification: Uncertain significance for Hereditary cancer-predisposing syndrome. Last evaluated: 2023-12-05. Review status: criteria provided, single submitter. Criteria: ACMG Guidelines, 2015. Collection method: clinical testing. Allele origin: germline.
Comment: This missense variant replaces leucine with proline at codon 909 of the BRIP1 protein. Computational prediction suggests that this variant may not impact protein structure and function (internally defined REVEL score threshold <= 0.5, PMID: 27666373). To our knowledge, functional studies have not been reported for this variant. This variant has not been reported in individuals affected with BRIP1-related disorders in the literature. This variant has been identified in 1/251392 chromosomes in the general population by the Genome Aggregation Database (gnomAD). The available evidence is insufficient to determine the role of this variant in disease conclusively. Therefore, this variant is classified as a Variant of Uncertain Significance.

Ambry Genetics
Classification: Uncertain significance for Hereditary cancer-predisposing syndrome. Last evaluated: 2020-05-05. Review status: criteria provided, single submitter. Criteria: Ambry Variant Classification Scheme 2023. Collection method: clinical testing. Allele origin: germline.
Comment: The p.L909P variant (also known as c.2726T>C), located in coding exon 18 of the BRIP1 gene, results from a T to C substitution at nucleotide position 2726. The leucine at codon 909 is replaced by proline, an amino acid with similar properties. This amino acid position is not well conserved in available vertebrate species. In addition, this alteration is predicted to be tolerated by in silico analysis. Since supporting evidence is limited at this time, the clinical significance of this alteration remains unclear.

NM_032043.3(BRIP1):c.2726T>C (p.Leu909Pro)

Gene: BRIP1 (BRCA1 interacting DNA helicase 1; minus strand). Cytogenetic location: 17q23.2.
Variant type: single nucleotide variant.
Coding change: c.2726T>C on transcript NM_032043.3 (MANE Select); coding-DNA position 2726, T replaced by C.
Protein change: p.Leu909Pro; replaces leucine 909 with proline.
Molecular consequence: missense variant.
Genome position (GRCh38, 1-based): chr17:61,686,015, A>G on the plus strand (T>C on the coding strand, the complement: BRIP1 is on the minus strand). VCF-style: chr17-61686015-A-G. GRCh37 (hg19) VCF-style: chr17-59763376-A-G.
Other names: short protein forms L909P.
Identifiers: ClinVar variation 461127 (VCV000461127.20), dbSNP rs770966270, ClinGen allele CA8690461.